The following is an entry in ClinVar:

NM_001942.4(DSG1):c.1393C>T (p.Leu465Phe)

Gene: DSG1 (desmoglein 1; plus strand). Cytogenetic location: 18q12.1.
Variant type: single nucleotide variant.
Coding change: c.1393C>T on transcript NM_001942.4 (MANE Select); coding-DNA position 1393, C replaced by T.
Protein change: p.Leu465Phe; replaces leucine 465 with phenylalanine.
Molecular consequence: missense variant.
Genome position (GRCh38, 1-based): chr18:31,338,442, C>T. VCF-style: chr18-31338442-C-T. GRCh37 (hg19) VCF-style: chr18-28918405-C-T.
Other names: short protein forms L465F.
Identifiers: ClinVar variation 1418014 (VCV001418014.8), dbSNP rs911073955, ClinGen allele CA297695372.

ClinVar aggregate classification (germline): Uncertain significance (1 of 4 stars; one submission).

gnomAD v4.1: 18 of 1,613,258 alleles (0.0011%); highest among the groups gnomAD compares: Non-Finnish European, 0.0014%; no homozygotes.

Submission:

Labcorp Genetics (formerly Invitae), Labcorp
Classification: Uncertain significance. Last evaluated: 2025-11-21. Review status: criteria provided, single submitter. Criteria: Invitae Variant Classification Sherloc (09022015). Collection method: clinical testing. Allele origin: germline.
Comment: This sequence change replaces leucine, which is neutral and non-polar, with phenylalanine, which is neutral and non-polar, at codon 465 of the DSG1 protein (p.Leu465Phe). This variant is present in population databases (no rsID available, gnomAD 0.004%). This variant has not been reported in the literature in individuals affected with DSG1-related conditions. ClinVar contains an entry for this variant (Variation ID: 1418014). Invitae Evidence Modeling of protein sequence and biophysical properties (such as structural, functional, and spatial information, amino acid conservation, physicochemical variation, residue mobility, and thermodynamic stability) indicates that this missense variant is not expected to disrupt DSG1 protein function with a negative predictive value of 80%. In summary, the available evidence is currently insufficient to determine the role of this variant in disease. Therefore, it has been classified as a Variant of Uncertain Significance.